The following is an entry in ClinVar:

NM_001298.3(CNGA3):c.961T>C (p.Tyr321His)

Gene: CNGA3 (cyclic nucleotide gated channel subunit alpha 3; plus strand). Cytogenetic location: 2q11.2.
Variant type: single nucleotide variant.
Coding change: c.961T>C on transcript NM_001298.3 (MANE Select); coding-DNA position 961, T replaced by C.
Protein change: p.Tyr321His; replaces tyrosine 321 with histidine.
Molecular consequence: missense variant.
Genome position (GRCh38, 1-based): chr2:98,396,131, T>C. VCF-style: chr2-98396131-T-C. GRCh37 (hg19) VCF-style: chr2-99012594-T-C.
Other names: c.907T>C, p.Tyr303His (NM_001079878.2); short protein forms Y303H, Y321H.
Identifiers: ClinVar variation 1922562 (VCV001922562.5), dbSNP rs2467028686, ClinGen allele CA347832521.

ClinVar aggregate classification (germline): Uncertain significance (1 of 4 stars; one submission).

Allele frequency attached by ClinVar (database versions not stated): gnomAD exomes below 0.00001.
gnomAD v4.1: 1 of 1,614,270 alleles (0.000062%); highest among the groups gnomAD compares: Admixed American, 0.0017%; no homozygotes.

Submission:

Labcorp Genetics (formerly Invitae), Labcorp
Classification: Uncertain significance. Last evaluated: 2022-08-19. Review status: criteria provided, single submitter. Criteria: Invitae Variant Classification Sherloc (09022015). Collection method: clinical testing. Allele origin: germline.
Comment: In summary, the available evidence is currently insufficient to determine the role of this variant in disease. Therefore, it has been classified as a Variant of Uncertain Significance. Advanced modeling of protein sequence and biophysical properties (such as structural, functional, and spatial information, amino acid conservation, physicochemical variation, residue mobility, and thermodynamic stability) performed at Invitae indicates that this missense variant is expected to disrupt CNGA3 protein function. This variant has not been reported in the literature in individuals affected with CNGA3-related conditions. This variant is not present in population databases (gnomAD no frequency). This sequence change replaces tyrosine, which is neutral and polar, with histidine, which is basic and polar, at codon 321 of the CNGA3 protein (p.Tyr321His).